The following is an entry in ClinVar:

NM_005591.4(MRE11):c.552del (p.Pro185fs)

Gene: MRE11 (MRE11 double strand break repair nuclease; minus strand). Cytogenetic location: 11q21.
Variant type: Deletion.
Coding change: c.552del on transcript NM_005591.4 (MANE Select); coding-DNA position 552, one base deleted (T; older notation c.552delT).
Protein change: p.Pro185fs; shifts the reading frame from proline 185.
Molecular consequence: frameshift variant.
Genome position (GRCh38, 1-based): chr11:94,476,396, A deleted on the plus strand (T on the coding strand, the reverse complement: MRE11 is on the minus strand); the first of 2 consecutive A bases (chr11:94,476,396-94,476,397); deleting either gives the same sequence. VCF-style (leftmost placement, unchanged base first): chr11-94476395-GA-G. GRCh37 (hg19) VCF-style: chr11-94209561-GA-G.
Other names: c.552del, p.Pro185fs (NM_001330347.2, NM_005590.4); short protein forms P185fs.
Identifiers: ClinVar variation 941113 (VCV000941113.7), dbSNP rs1946857788, ClinGen allele CA1139662136.

ClinVar aggregate classification (germline): Pathogenic (1 of 4 stars; one submission).

Conditions:
Ataxia-telangiectasia-like disorder (ATLD). Identifiers: MedGen C1858391, MONDO:0011457.

Submission:

Labcorp Genetics (formerly Invitae), Labcorp
Classification: Pathogenic for Ataxia-telangiectasia-like disorder. Last evaluated: 2019-10-12. Review status: criteria provided, single submitter. Criteria: Invitae Variant Classification Sherloc (09022015). Collection method: clinical testing. Allele origin: germline.
Comment: This sequence change creates a premature translational stop signal (p.Pro185Glnfs*14) in the MRE11 gene. It is expected to result in an absent or disrupted protein product. This variant is not present in population databases (ExAC no frequency). This variant has not been reported in the literature in individuals with MRE11-related conditions. Loss-of-function variants in MRE11 are known to be pathogenic (PMID: 23080121, 23912341). For these reasons, this variant has been classified as Pathogenic.

Literature cited by the submitters: PubMed 23080121; PubMed 23912341.